The following is an entry in ClinVar:

NM_018026.4(PACS1):c.1684C>G (p.Leu562Val)

Gene: PACS1 (phosphofurin acidic cluster sorting protein 1; plus strand). Cytogenetic location: 11q13.2.
Variant type: single nucleotide variant.
Coding change: c.1684C>G on transcript NM_018026.4 (MANE Select); coding-DNA position 1684, C replaced by G.
Protein change: p.Leu562Val; replaces leucine 562 with valine.
Molecular consequence: missense variant.
Genome position (GRCh38, 1-based): chr11:66,232,229, C>G. VCF-style: chr11-66232229-C-G. GRCh37 (hg19) VCF-style: chr11-65999700-C-G.
Other names: short protein forms L562V.
Identifiers: ClinVar variation 3699564 (VCV003699564.2).

ClinVar aggregate classification (germline): Uncertain significance (1 of 4 stars; one submission).

Conditions:
Schuurs-Hoeijmakers syndrome. Also called: PACS1-Related Neurodevelopmental Disorder. Identifiers: Orphanet 329224, MedGen C3554343, MONDO:0014006, OMIM 615009.

gnomAD v4.1: 7 of 1,613,784 alleles (0.00043%); highest among the groups gnomAD compares: Non-Finnish European, 0.00059%; no homozygotes.

Submission:

Labcorp Genetics (formerly Invitae), Labcorp
Classification: Uncertain significance for Schuurs-Hoeijmakers syndrome. Last evaluated: 2024-04-12. Review status: criteria provided, single submitter. Criteria: Invitae Variant Classification Sherloc (09022015). Collection method: clinical testing. Allele origin: germline.
Comment: This sequence change replaces leucine, which is neutral and non-polar, with valine, which is neutral and non-polar, at codon 562 of the PACS1 protein (p.Leu562Val). This variant is not present in population databases (gnomAD no frequency). This variant has not been reported in the literature in individuals affected with PACS1-related conditions. Advanced modeling of protein sequence and biophysical properties (such as structural, functional, and spatial information, amino acid conservation, physicochemical variation, residue mobility, and thermodynamic stability) performed at Invitae indicates that this missense variant is not expected to disrupt PACS1 protein function with a negative predictive value of 80%. In summary, the available evidence is currently insufficient to determine the role of this variant in disease. Therefore, it has been classified as a Variant of Uncertain Significance.